The following is an entry in ClinVar:

ClinVar aggregate classification (germline): Uncertain significance (1 of 4 stars; one submission).

Conditions:
Renal coloboma syndrome (PAPRS). Also called: PAPILLORENAL SYNDROME; RENAL-COLOBOMA SYNDROME WITH MACULAR ABNORMALITIES; COLOBOMA OF OPTIC NERVE WITH RENAL DISEASE; OPTIC COLOBOMA, VESICOURETERAL REFLUX, AND RENAL ANOMALIES; OPTIC NERVE COLOBOMA WITH RENAL DISEASE; PAPILLORENAL SYNDROME WITH MILD OCULAR ABNORMALITIES. Identifiers: Orphanet 1475, MedGen C1852759, MONDO:0007352, OMIM 120330.
Focal segmental glomerulosclerosis 7 (FSGS7). Identifiers: Orphanet 656, MedGen C4014925, MONDO:0014451, OMIM 616002.

Submission:

Labcorp Genetics (formerly Invitae), Labcorp
Classification: Uncertain significance for Renal coloboma syndrome; Focal segmental glomerulosclerosis 7. Last evaluated: 2025-10-20. Review status: criteria provided, single submitter. Criteria: Invitae Variant Classification Sherloc (09022015). Collection method: clinical testing. Allele origin: germline.
Comment: This sequence change replaces glutamine, which is neutral and polar, with lysine, which is basic and polar, at codon 236 of the PAX2 protein (p.Gln236Lys). This variant is not present in population databases (gnomAD no frequency). This variant has not been reported in the literature in individuals affected with PAX2-related conditions. ClinVar contains an entry for this variant (Variation ID: 1347078). Experimental studies and prediction algorithms are not available or were not evaluated, and the functional significance of this variant is currently unknown. In summary, the available evidence is currently insufficient to determine the role of this variant in disease. Therefore, it has been classified as a Variant of Uncertain Significance.

NM_000278.5(PAX2):c.706C>A (p.Gln236Lys)

Gene: PAX2 (paired box 2; plus strand). Cytogenetic location: 10q24.31.
Variant type: single nucleotide variant.
Coding change: c.706C>A on transcript NM_000278.5 (MANE Select); coding-DNA position 706, C replaced by A.
Protein change: p.Gln236Lys; replaces glutamine 236 with lysine.
Molecular consequence: missense variant.
Genome position (GRCh38, 1-based): chr10:100,806,519, C>A. VCF-style: chr10-100806519-C-A. GRCh37 (hg19) VCF-style: chr10-102566276-C-A.
Other names: c.799C>A, p.Gln267Lys (NM_001304569.2); c.775C>A, p.Gln259Lys (NM_003987.5, NM_003990.5); c.706C>A, p.Gln236Lys (NM_003988.5, NM_003989.5); short protein forms Q267K, Q236K, Q259K.
Identifiers: ClinVar variation 1347078 (VCV001347078.6), dbSNP rs75399846, ClinGen allele CA378259037.
Genomic context (GRCh38, chr10:100,806,519, plus strand): 5'-GATTCCCAGAGTGGTGTGGACAGTTTGCGGAAGCACTTGCGAGCTGACACCTTCACCCAG[C>A]AGCAGCTGGAAGCTTTGGATCGGGTCTTTGAGCGTCCTTCCTACCCTGACGTCTTCCAGG-3'
Protein context (NP_000269.3, residues 226-246): KHLRADTFTQ[Gln236Lys]QLEALDRVFE